The following is an entry in ClinVar:

ClinVar aggregate classification (germline): Benign/Likely benign. Review status: criteria provided, multiple submitters, no conflicts (2 of 4 stars). 8 submissions from 8 submitters: Benign (1); Likely benign (4). 3 of the submissions do not count toward it. Last evaluated 2026-08-01.

Conditions:
NBEA-related disorder. Also called: NBEA-related condition.

Allele frequency attached by ClinVar (database versions not stated): ESP Exome Variant Server 0.00089; gnomAD 0.00089 and 0.00099; gnomAD exomes 0.00100 and 0.00120; ExAC 0.00121; TOPMed 0.00125; 1000 Genomes Project 0.00180; 1000 Genomes Project 30x 0.00203.
gnomAD v4.1: 1,639 of 1,611,004 alleles (0.1%); highest among the groups gnomAD compares: Middle Eastern, 1.7%; 6 homozygotes.

Submissions (8):

CeGaT Center for Human Genetics Tuebingen
Classification: Likely benign. Last evaluated: 2026-08-01. Review status: criteria provided, single submitter. Criteria: CeGaT Center For Human Genetics Tuebingen Variant Classification Criteria Version 2. Collection method: clinical testing. Allele origin: germline. Affected: yes. Observed: 25 variant alleles.
Comment: NBEA: BP4, BS1

Mayo Clinic Laboratories, Mayo Clinic
Classification: Benign. Last evaluated: 2025-01-07. Review status: criteria provided, single submitter. Criteria: ACMG Guidelines, 2015. Collection method: clinical testing. Allele origin: germline. Observed: 2 variant alleles.
Comment: BS1, BS2, BP4, BP7

Blueprint Genetics
Classification: Likely benign. Last evaluated: 2024-11-27. Review status: criteria provided, single submitter. Criteria: ACMG Guidelines, 2015. Collection method: clinical testing. Allele origin: germline.

Labcorp Genetics (formerly Invitae), Labcorp
Classification: Likely benign. Last evaluated: 2018-05-08. Review status: criteria provided, single submitter. Criteria: Invitae Variant Classification Sherloc (09022015). Collection method: clinical testing. Allele origin: germline.

Breakthrough Genomics
Classification: Likely benign. Review status: criteria provided, single submitter. Criteria: ACMG Guidelines, 2015. Collection method: not provided. Allele origin: germline. Inheritance: Autosomal dominant inheritance. Affected: yes.

PreventionGenetics, part of Exact Sciences
Classification: Likely benign for NBEA-related condition. Last evaluated: 2019-04-25. Review status: no assertion criteria provided. Collection method: clinical testing. Allele origin: germline. Not counted in ClinVar's aggregate classification.
Comment: This variant is classified as likely benign based on ACMG/AMP sequence variant interpretation guidelines (Richards et al. 2015 PMID: 25741868, with internal and published modifications).

Clinical Genetics DNA and cytogenetics Diagnostics Lab, Erasmus MC, Erasmus Medical Center
Classification: Likely benign. Review status: no assertion criteria provided. Collection method: clinical testing. Allele origin: germline. Affected: yes. Study: VKGL Data-share Consensus. Not counted in ClinVar's aggregate classification.

Genome Diagnostics Laboratory, University Medical Center Utrecht
Classification: Likely benign. Review status: no assertion criteria provided. Collection method: clinical testing. Allele origin: germline. Affected: yes. Study: VKGL Data-share Consensus. Not counted in ClinVar's aggregate classification.

NM_001385012.1(NBEA):c.7767C>T (p.His2589=)

Gene: NBEA (neurobeachin; plus strand). Cytogenetic location: 13q13.3.
Variant type: single nucleotide variant.
Coding change: c.7767C>T on transcript NM_001385012.1 (MANE Select); coding-DNA position 7767, C replaced by T.
Protein change: p.His2589=; no amino-acid change (histidine 2589 retained).
Molecular consequence: synonymous variant.
Genome position (GRCh38, 1-based): chr13:35,646,345, C>T. VCF-style: chr13-35646345-C-T. GRCh37 (hg19) VCF-style: chr13-36220482-C-T.
Other names: p.His2568=; c.1083C>T, p.His361= (NM_001204197.3); c.7758C>T, p.His2586= (NM_001379245.1); c.7704C>T, p.His2568= (NM_015678.5).
Identifiers: ClinVar variation 717451 (VCV000717451.39), dbSNP rs139508021, ClinGen allele CA6947845.